The following is an entry in ClinVar:

NM_005228.5(EGFR):c.2068G>C (p.Glu690Gln)

Gene: EGFR (epidermal growth factor receptor; plus strand). Cytogenetic location: 7p11.2.
Variant type: single nucleotide variant.
Coding change: c.2068G>C on transcript NM_005228.5 (MANE Select); coding-DNA position 2068, G replaced by C.
Protein change: p.Glu690Gln; replaces glutamic acid 690 with glutamine.
Molecular consequence: missense variant.
Genome position (GRCh38, 1-based): chr7:55,173,927, G>C. VCF-style: chr7-55173927-G-C. GRCh37 (hg19) VCF-style: chr7-55241620-G-C.
Other names: c.1933G>C, p.Glu645Gln (NM_001346897.2, NM_001346899.2); c.2068G>C, p.Glu690Gln (NM_001346898.2); c.1909G>C, p.Glu637Gln (NM_001346900.2); c.1267G>C, p.Glu423Gln (NM_001346941.2); short protein forms E637Q, E423Q, E645Q, E690Q.
Identifiers: ClinVar variation 3843830 (VCV003843830.1).

ClinVar aggregate classification (germline): Uncertain significance (1 of 4 stars; one submission).

Conditions:
Hereditary cancer-predisposing syndrome. Also called: Hereditary neoplastic syndrome; Neoplastic Syndromes, Hereditary; Tumor predisposition; Hereditary Cancer Syndrome. Identifiers: Orphanet 140162, MedGen C0027672, MeSH D009386, MONDO:0015356.

Submission:

Ambry Genetics
Classification: Uncertain significance for Hereditary cancer-predisposing syndrome. Last evaluated: 2025-02-10. Review status: criteria provided, single submitter. Criteria: Ambry Variant Classification Scheme 2023. Collection method: clinical testing. Allele origin: germline.
Comment: The p.E690Q variant (also known as c.2068G>C), located in coding exon 18 of the EGFR gene, results from a G to C substitution at nucleotide position 2068. The glutamic acid at codon 690 is replaced by glutamine, an amino acid with highly similar properties. This amino acid position is conserved. In addition, the in silico prediction for this alteration is inconclusive. Based on the available evidence, the clinical significance of this variant remains unclear.